The following is an entry in ClinVar:

ClinVar aggregate classification (germline): Conflicting classifications of pathogenicity. Review status: criteria provided, conflicting classifications (1 of 4 stars). 2 submissions from 2 submitters: Likely pathogenic (1); Uncertain significance (1). Last evaluated 2020-08-17.

Submissions (2):

Revvity Omics, Revvity
Classification: Likely pathogenic. Last evaluated: 2020-08-17. Review status: criteria provided, single submitter. Criteria: ACMG Guidelines, 2015. Collection method: clinical testing. Allele origin: germline.

Women's Health and Genetics/Laboratory Corporation of America, LabCorp
Classification: Uncertain significance. Last evaluated: 2019-06-18. Review status: criteria provided, single submitter. Criteria: LabCorp Variant Classification Summary - May 2015. Collection method: clinical testing. Allele origin: germline.
Comment: Variant summary: GLA c.1116_1117delinsAT (p.Gly373Cys) results in a non-conservative amino acid change located in the Alpha galactosidase A, C-terminal beta-sandwich domain (IPR035373) of the encoded protein sequence. Four of five in-silico tools predict a damaging effect of the variant on protein function. The variant was absent in 182745 control chromosomes. The available data on variant occurrences in the general population are insufficient to allow any conclusion about variant significance. To our knowledge, no occurrence of c.1116_1117delinsAT in individuals affected with Fabry Disease and no experimental evidence demonstrating its impact on protein function have been reported. No clinical diagnostic laboratories have submitted clinical-significance assessments for this variant to ClinVar after 2014. Different amino acid changes at p.373 have been classified by our laboratory as Pathogenic/Likely Pathogenic for Fabry Disease (p.Gly373Asp and p.Gly373Ser). Based on the evidence outlined above, the variant was classified as uncertain significance.

NM_000169.3(GLA):c.1116_1117delinsAT (p.Gly373Cys)

Genes: GLA (galactosidase alpha; minus strand), RPL36A-HNRNPH2 (RPL36A-HNRNPH2 readthrough; plus strand). Cytogenetic location: Xq22.1.
Variant type: Indel.
Coding change: c.1116_1117delinsAT on transcript NM_000169.3 (MANE Select); coding-DNA positions 1116 to 1117, GG replaced by AT.
Protein change: p.Gly373Cys; replaces glycine 373 with cysteine.
Molecular consequence: missense variant. On other transcripts: non-coding transcript variant (3), intron variant (2).
Genome position (GRCh38, 1-based): chrX:101,397,982-101,397,983, CC replaced by AT on the plus strand (GG replaced by AT on the coding strand, the reverse complement: GLA is on the minus strand). VCF-style: chrX-101397982-CC-AT. GRCh37 (hg19) VCF-style: chrX-100652970-CC-AT.
Other names: c.1116_1117delGGinsAT, p.Gly373Cys (NM_000169.2); c.1239_1240delinsAT, p.Gly414Cys (NM_001406747.1); c.300+2525_300+2526delinsAT (NM_001199973.2); c.177+6160_177+6161delinsAT (NM_001199974.2); short protein forms G373C, G414C.
Identifiers: ClinVar variation 928957 (VCV000928957.4), dbSNP rs1928127475, ClinGen allele CA1139667715.